The following is an entry in ClinVar:

NM_001126108.2(SLC12A3):c.2336G>A (p.Gly779Glu)

Gene: SLC12A3 (solute carrier family 12 member 3; plus strand). Cytogenetic location: 16q13.
Variant type: single nucleotide variant.
Coding change: c.2336G>A on transcript NM_001126108.2 (MANE Select); coding-DNA position 2336, G replaced by A.
Protein change: p.Gly779Glu; replaces glycine 779 with glutamic acid.
Molecular consequence: missense variant.
Genome position (GRCh38, 1-based): chr16:56,890,324, G>A. VCF-style: chr16-56890324-G-A. GRCh37 (hg19) VCF-style: chr16-56924236-G-A.
Other names: c.2336G>A, p.Gly779Glu (NM_000339.3); c.2333G>A, p.Gly778Glu (NM_001126107.2); short protein forms G778E, G779E.
Identifiers: ClinVar variation 1684178 (VCV001684178.1), dbSNP rs374352597, ClinGen allele CA281511493.
Genomic context (GRCh38, chr16:56,890,324, plus strand): 5'-CTCTTTCCAGTGATGCCTTTGATTTCAACTATGGCGTGTGTGTCATGAGGATGCGGGAGG[G>A]ACTCAACGTGTCCAAGATGATGCAGGCGCACAGTGAGTACATGCCCCACCCACTCCCAGA-3'
Protein context (NP_001119580.2, residues 769-789): YGVCVMRMRE[Gly779Glu]LNVSKMMQAH

ClinVar aggregate classification (germline): Uncertain significance (1 of 4 stars; one submission).

Conditions:
Familial hypokalemia-hypomagnesemia (GTLMNS). Also called: gitelman syndrome; HYPOMAGNESEMIA-HYPOKALEMIA, PRIMARY RENOTUBULAR, WITH HYPOCALCIURIA; POTASSIUM AND MAGNESIUM DEPLETION. Identifiers: Orphanet 358, MedGen C0268450, MONDO:0009904, OMIM 263800.

Allele frequency attached by ClinVar (database versions not stated): gnomAD exomes 0.00001 and 0.00004; gnomAD 0.00001; ESP Exome Variant Server 0.00008; TOPMed 0.00003.
gnomAD v4.1: 60 of 1,614,028 alleles (0.0037%); highest among the groups gnomAD compares: Non-Finnish European, 0.0049%; no homozygotes.

Submission:

European Hospital Georges Pompidou Genetics Department, Assistance Publique - Hôpitaux de Paris AP-HP
Classification: Uncertain significance for Familial hypokalemia-hypomagnesemia. Last evaluated: 2022-04-27. Review status: criteria provided, single submitter. Criteria: ACMG Guidelines, 2015. Collection method: clinical testing. Allele origin: germline. Affected: yes.
Comment: ACMG criteria used:PM2